The following is an entry in ClinVar:

ClinVar aggregate classification (germline): Benign/Likely benign. Review status: criteria provided, multiple submitters, no conflicts (2 of 4 stars). 10 submissions from 9 submitters: Benign (3); Likely benign (6). 1 of the submissions does not count toward it. Last evaluated 2026-01-28.

Conditions:
USH2A-related disorder. Also called: USH2A-related disorders; USH2A-related condition. Identifiers: MedGen CN239332.
Retinal dystrophy. Also called: Inherited retinal dystrophy. Identifiers: Orphanet 71862, MedGen C0854723, MeSH D058499, MONDO:0019118, HP:0000556.
Retinitis pigmentosa 39 (RP39). Identifiers: Orphanet 791, MedGen C3151138, MONDO:0013436, OMIM 613809.
Usher syndrome type 2A. Also called: USHER SYNDROME, TYPE IIA; RETINAL DISEASE IN USHER SYNDROME TYPE IIA, MODIFIER OF. Identifiers: Orphanet 231178, Orphanet 886, MedGen C1848634, MONDO:0010169, OMIM 276901.

Allele frequency attached by ClinVar (database versions not stated): gnomAD 0.00019 and 0.00032; gnomAD exomes 0.00023 and 0.00051; TOPMed 0.00032; ExAC 0.00055; 1000 Genomes Project 30x 0.00203; 1000 Genomes Project 0.00240.
gnomAD v4.1: 375 of 1,613,966 alleles (0.023%); highest among the groups gnomAD compares: East Asian, 0.81%; 3 homozygotes.

Submissions (10):

Labcorp Genetics (formerly Invitae), Labcorp
Classification: Benign. Last evaluated: 2026-01-28. Review status: criteria provided, single submitter. Criteria: Invitae Variant Classification Sherloc (09022015). Collection method: clinical testing. Allele origin: germline.

CeGaT Center for Human Genetics Tuebingen
Classification: Likely benign. Last evaluated: 2025-10-01. Review status: criteria provided, single submitter. Criteria: CeGaT Center For Human Genetics Tuebingen Variant Classification Criteria Version 2. Collection method: clinical testing. Allele origin: germline. Affected: yes. Observed: 2 variant alleles.
Comment: USH2A: BP4, BS2

PreventionGenetics, part of Exact Sciences
Classification: Likely benign for USH2A-related condition. Last evaluated: 2024-12-12. Review status: criteria provided, single submitter. Criteria: ACMG Guidelines, 2015. Collection method: clinical testing. Allele origin: germline.
Comment: This variant is classified as likely benign based on ACMG/AMP sequence variant interpretation guidelines (Richards et al. 2015 PMID: 25741868, with internal and published modifications).

Blueprint Genetics
Classification: Likely benign. Last evaluated: 2024-11-18. Review status: criteria provided, single submitter. Criteria: ACMG Guidelines, 2015. Collection method: clinical testing. Allele origin: germline.

Genome-Nilou Lab
Classification: Likely benign for Retinitis pigmentosa 39. Last evaluated: 2023-11-04. Review status: criteria provided, single submitter. Criteria: ACMG Guidelines, 2015. Collection method: clinical testing. Allele origin: germline. Affected: no.

Genome-Nilou Lab
Classification: Likely benign for Usher syndrome type 2A. Last evaluated: 2023-11-04. Review status: criteria provided, single submitter. Criteria: ACMG Guidelines, 2015. Collection method: clinical testing. Allele origin: germline. Affected: no.

Dept Of Ophthalmology, Nagoya University
Classification: Benign for Retinal dystrophy. Last evaluated: 2023-10-01. Review status: criteria provided, single submitter. Criteria: Submitter's publication. Collection method: research. Allele origin: germline. Affected: yes.

Women's Health and Genetics/Laboratory Corporation of America, LabCorp
Classification: Likely benign. Last evaluated: 2022-03-11. Review status: criteria provided, single submitter. Criteria: LabCorp Variant Classification Summary - May 2015. Collection method: clinical testing. Allele origin: germline.
Comment: Variant summary: USH2A c.6683T>A (p.Val2228Glu) results in a non-conservative amino acid change located in the Fibronectin type III domain (IPR003961) of the encoded protein sequence. Three of five in-silico tools predict a benign effect of the variant on protein function. The variant allele was found at a frequency of 0.00051 in 251052 control chromosomes, predominantly at a frequency of 0.0069 within the East Asian subpopulation in the gnomAD database. This frequency is not significantly higher than expected for a pathogenic variant in USH2A causing Usher Syndrome (0.00051 vs 0.011), allowing no conclusion about variant significance. c.6683T>A has been reported in the literature with conflicting interpretations (VUS/Likely Benign) along with other variants in the USH2A gene (phase not specified) in cohorts of individuals undergoing whole exome sequencing (WES) for genetic evaluation of Retinal Degeneration (RD) and in particular with Retinitis Pigmentosa (example, Ma_2021). These report(s) do not provide unequivocal conclusions about association of the variant with Usher Syndrome. To our knowledge, no experimental evidence demonstrating an impact on protein function has been reported. Two clinical diagnostic laboratories have submitted clinical-significance assessments for this variant to ClinVar after 2014 without evidence for independent evaluation. All laboratories classified the variant as benign/likely benign. Based on the evidence outlined above, the variant was classified as likely benign.

Laboratory for Molecular Medicine, Mass General Brigham Personalized Medicine
Classification: Benign. Last evaluated: 2012-05-07. Review status: criteria provided, single submitter. Criteria: LMM Criteria. Collection method: clinical testing. Allele origin: germline. Observed: 1 variant allele.
Comment: Val2228Glu in Exon 35 of USH2A: This variant is not expected to have clinical si gnificance because it has been identified in 4.2% (5/120) of chromosomes from a population in the dbSNP database (rs11 7461552).

Natera, Inc.
Classification: Likely benign for Usher syndrome type 2A. Last evaluated: 2020-05-03. Review status: no assertion criteria provided. Collection method: clinical testing. Allele origin: germline. Not counted in ClinVar's aggregate classification.

Literature cited by the submitters: PubMed 33691693 (cited by Women's Health and Genetics/Laboratory Corporation of America, LabCorp).

NM_206933.4(USH2A):c.6683T>A (p.Val2228Glu)

Gene: USH2A (usherin; minus strand). Cytogenetic location: 1q41.
Variant type: single nucleotide variant.
Coding change: c.6683T>A on transcript NM_206933.4 (MANE Select); coding-DNA position 6683, T replaced by A.
Protein change: p.Val2228Glu; replaces valine 2228 with glutamic acid.
Molecular consequence: missense variant.
Genome position (GRCh38, 1-based): chr1:215,993,142, A>T on the plus strand (T>A on the coding strand, the complement: USH2A is on the minus strand). VCF-style: chr1-215993142-A-T. GRCh37 (hg19) VCF-style: chr1-216166484-A-T.
Other names: short protein forms V2228E.
Identifiers: ClinVar variation 48566 (VCV000048566.33), dbSNP rs117461552, ClinGen allele CA143566.